The following is an entry in ClinVar:

ClinVar aggregate classification (germline): Uncertain significance (1 of 4 stars; one submission).

Conditions:
Hereditary cancer-predisposing syndrome. Also called: Neoplastic Syndromes, Hereditary; Tumor predisposition; Hereditary neoplastic syndrome; Hereditary Cancer Syndrome. Identifiers: Orphanet 140162, MedGen C0027672, MeSH D009386, MONDO:0015356.

Submission:

Ambry Genetics
Classification: Uncertain significance for Hereditary cancer-predisposing syndrome. Last evaluated: 2024-02-02. Review status: criteria provided, single submitter. Criteria: Ambry Variant Classification Scheme 2023. Collection method: clinical testing. Allele origin: germline.
Comment: The p.A67V variant (also known as c.200C>T), located in coding exon 1 of the FLCN gene, results from a C to T substitution at nucleotide position 200. The alanine at codon 67 is replaced by valine, an amino acid with similar properties. This amino acid position is conserved. In addition, the in silico prediction for this alteration is inconclusive. Based on the available evidence, the clinical significance of this alteration remains unclear.

NM_144997.7(FLCN):c.200C>T (p.Ala67Val)

Gene: FLCN (folliculin; minus strand). Cytogenetic location: 17p11.2.
Variant type: single nucleotide variant.
Coding change: c.200C>T on transcript NM_144997.7 (MANE Select); coding-DNA position 200, C replaced by T.
Protein change: p.Ala67Val; replaces alanine 67 with valine.
Molecular consequence: missense variant.
Genome position (GRCh38, 1-based): chr17:17,227,938, G>A on the plus strand (C>T on the coding strand, the complement: FLCN is on the minus strand). VCF-style: chr17-17227938-G-A. GRCh37 (hg19) VCF-style: chr17-17131252-G-A.
Other names: c.200C>T, p.Ala67Val (NM_001353229.2, NM_001353230.2, NM_001353231.2 and 1 more transcripts); short protein forms A67V.
Identifiers: ClinVar variation 3229242 (VCV003229242.1), dbSNP rs2544306668, ClinGen allele CA398535115.
Genomic context (GRCh38, chr17:17,227,938, plus strand): 5'-AAGACACTTGCCTCGCACATGTCCGACTTTTTGGGCCCCGGGCTGCTGGACTCGACGCTG[G>A]CCCCCTCTGCGGGGCTGTGCGCACGCATCCGACTGTTCATCTGAATGCCACCTTCCTCTT-3'
Protein context (NP_659434.2, residues 57-77): RMRAHSPAEG[Ala67Val]SVESSSPGPK